The following is an entry in ClinVar:

NM_000284.4(PDHA1):c.1167_1170del (p.Ser390fs)

Gene: PDHA1 (pyruvate dehydrogenase E1 subunit alpha 1; plus strand). Cytogenetic location: Xp22.12.
Variant type: Microsatellite.
Coding change: c.1167_1170del on transcript NM_000284.4 (MANE Select); coding-DNA positions 1167 to 1170, 4 bases deleted (CAGT; older notation c.1167_1170delCAGT).
Protein change: p.Ser390fs; shifts the reading frame from serine 390.
Molecular consequence: frameshift variant.
Genome position (GRCh38, 1-based): chrX:19,359,647-19,359,650, CAGT deleted; deleting any 4 consecutive bases within chrX:19,359,640-19,359,650 gives the same sequence; the c. name uses the placement nearest the transcript's 3' end. VCF-style (leftmost placement, unchanged base first): chrX-19359639-AAGTC-A. GRCh37 (hg19) VCF-style: chrX-19377757-AAGTC-A.
Other names: c.1281_1284del, p.Ser428fs (NM_001173454.2); c.1188_1191del, p.Ser397fs (NM_001173455.2); c.1074_1077del, p.Ser359fs (NM_001173456.2); short protein forms S359fs, S428fs, S390fs, S397fs.
Identifiers: ClinVar variation 10871 (VCV000010871.3), dbSNP rs606231184, ClinGen allele CA121203.

ClinVar aggregate classification (germline): Uncertain significance. Review status: criteria provided, single submitter (1 of 4 stars). 3 submissions from 3 submitters: Uncertain significance (1). 2 of the submissions do not count toward it. Last evaluated 2023-11-20.

Conditions:
Pyruvate dehydrogenase E1-alpha deficiency (PDHAD). Also called: ATAXIA, INTERMITTENT, WITH PYRUVATE DEHYDROGENASE DEFICIENCY; ATAXIA WITH LACTIC ACIDOSIS I; ATAXIA, INTERMITTENT, WITH ABNORMAL PYRUVATE METABOLISM; Ataxia, intermittent, with pyruvate dehydrogenase, or decarboxylase, deficiency. Identifiers: Orphanet 79243, MedGen C1839413, MONDO:0010717, OMIM 312170.

Submissions (3):

Blueprint Genetics
Classification: Uncertain significance. Last evaluated: 2023-11-20. Review status: criteria provided, single submitter. Criteria: ACMG Guidelines, 2015. Collection method: clinical testing. Allele origin: germline.

PDHA1 Study Group, University Children’s Hospital, Paracelsus Medical University
Classification: Pathogenic for Pyruvate dehydrogenase E1-alpha deficiency. Last evaluated: 2024-10-15. Review status: no assertion criteria provided. Collection method: research. Allele origin: de novo. Affected: yes. Observed: 3 variant alleles. Not counted in ClinVar's aggregate classification.
Comment: The NM_000284.3:c.1167_1170del (p.Ser390LysfsTer33) change is a frameshift variant in PDHA1 gene. This variant is predicted to escape nonsense-mediated decay (NMD). In total, 3 individuals were diagnosed with PDHA1-related Pyruvate dehydrogenase complex (PDHc) deficiency (MIM #312170). These include 3 males. Among them, 1 case had confirmed de novo occurrence, and 1 was confirmed inherited. The variant has been reported in 2 published cases (PMIDs: 2537010, 33661577). Last literature search: July 12, 2024. This variant is absent or extremely rare in population-based cohorts in the Genome Aggregation Database (gnomAD). Individuals harboring this variant presented with clinical features compatible with PDHA1-related PDHc deficiency. In summary, this variant meets criteria to be classified as pathogenic (P) for PDHA1-related PDHc deficiency based on the ACMG/AMP criteria applied: PVS1, PM2, PM7 (last assessment October 15, 2024).

OMIM
Classification: Pathogenic for PYRUVATE DEHYDROGENASE E1-ALPHA DEFICIENCY. Last evaluated: 1989-03-01. Review status: no assertion criteria provided. Collection method: literature only. Allele origin: germline. Not counted in ClinVar's aggregate classification.

Literature cited by the submitters: PubMed 2537010 (cited by PDHA1 Study Group, University Children’s Hospital, Paracelsus Medical University and OMIM); PubMed 33661577 (cited by PDHA1 Study Group, University Children’s Hospital, Paracelsus Medical University); DOI 10.1093/brain/awaf430 (cited by PDHA1 Study Group, University Children’s Hospital, Paracelsus Medical University).